The following is an entry in ClinVar:

ClinVar aggregate classification (germline): Likely benign (1 of 4 stars; one submission).

Submission:

GeneDx
Classification: Likely benign. Last evaluated: 2016-08-24. Review status: criteria provided, single submitter. Criteria: GeneDx Variant Classification (06012015). Collection method: clinical testing. Allele origin: germline. Affected: yes.
Comment: This variant is considered likely benign or benign based on one or more of the following criteria: it is a conservative change, it occurs at a poorly conserved position in the protein, it is predicted to be benign by multiple in silico algorithms, and/or has population frequency not consistent with disease.

NM_005359.6(SMAD4):c.-53_-48del

Gene: SMAD4 (SMAD family member 4; plus strand). Cytogenetic location: 18q21.2.
Variant type: Deletion.
Coding change: c.-53_-48del on transcript NM_005359.6 (MANE Select); 53 bases upstream of the start codon through 48 bases upstream of the start codon, 6 bases deleted (AATTGC; older notation c.-53_-48delAATTGC).
Molecular consequence: 5 prime UTR variant.
Genome position (GRCh38, 1-based): chr18:51,046,994-51,046,999, AATTGC deleted. VCF-style (leftmost placement, unchanged base first): chr18-51046993-AAATTGC-A. GRCh37 (hg19) VCF-style: chr18-48573363-AAATTGC-A.
Other names: c.-53_-48delAATTGC (NM_005359.5).
Identifiers: ClinVar variation 422097 (VCV000422097.1), dbSNP rs1064795555, ClinGen allele CA16620696.
Genomic context (GRCh38, chr18:51,046,993, plus strand): 5'-CATGTCTAACAATTTTCCTTGCAACGTTAGCTGTTGTTTTTCACTGTTTCCAAAGGATCA[AAATTGC>A]TTCAGAAATTGGAGACATATTTGATTTAAAAGGAAAAACTTGAACAAATGGACAATATGT-3'